The following is an entry in ClinVar:

NM_004218.4(RAB11B):c.343A>G (p.Ser115Gly)

Gene: RAB11B (RAB11B, member RAS oncogene family; plus strand). Cytogenetic location: 19p13.2.
Variant type: single nucleotide variant.
Coding change: c.343A>G on transcript NM_004218.4 (MANE Select); coding-DNA position 343, A replaced by G.
Protein change: p.Ser115Gly; replaces serine 115 with glycine.
Molecular consequence: missense variant.
Genome position (GRCh38, 1-based): chr19:8,402,192, A>G. VCF-style: chr19-8402192-A-G. GRCh37 (hg19) VCF-style: chr19-8467076-A-G.
Other names: short protein forms S115G.
Identifiers: ClinVar variation 3675581 (VCV003675581.2).

ClinVar aggregate classification (germline): Uncertain significance (1 of 4 stars; one submission).

gnomAD v4.1: 1 of 1,593,760 alleles (0.000063%); highest among the groups gnomAD compares: Non-Finnish European, 0.000085%; no homozygotes.

Submission:

Labcorp Genetics (formerly Invitae), Labcorp
Classification: Uncertain significance. Last evaluated: 2024-12-07. Review status: criteria provided, single submitter. Criteria: Invitae Variant Classification Sherloc (09022015). Collection method: clinical testing. Allele origin: germline.
Comment: This sequence change replaces serine, which is neutral and polar, with glycine, which is neutral and non-polar, at codon 115 of the RAB11B protein (p.Ser115Gly). This variant is not present in population databases (gnomAD no frequency). This variant has not been reported in the literature in individuals affected with RAB11B-related conditions. An algorithm developed to predict the effect of missense changes on protein structure and function (PolyPhen-2) suggests that this variant is likely to be tolerated. In summary, the available evidence is currently insufficient to determine the role of this variant in disease. Therefore, it has been classified as a Variant of Uncertain Significance.